The following is an entry in ClinVar:

ClinVar aggregate classification (germline): Benign. Review status: criteria provided, multiple submitters, no conflicts (2 of 4 stars). 2 submissions from 2 submitters: Benign (2). Last evaluated 2018-01-13.

Conditions:
Palmoplantar keratoderma-esophageal carcinoma syndrome (TOC). Also called: KERATOSIS PALMARIS ET PLANTARIS WITH ESOPHAGEAL CANCER; PALMOPLANTAR KERATODERMA WITH ESOPHAGEAL CANCER; Tylosis with Esophageal Cancer. Identifiers: Orphanet 2198, MedGen C1835664, MONDO:0007856, OMIM 148500.

Allele frequency attached by ClinVar (database versions not stated): gnomAD exomes 0.24194; TOPMed 0.32613; 1000 Genomes Project 0.38478; gnomAD 0.33822; 1000 Genomes Project 30x 0.37789.

Submissions (2):

Illumina Laboratory Services, Illumina
Classification: Benign for Palmoplantar keratoderma-esophageal carcinoma syndrome. Last evaluated: 2018-01-13. Review status: criteria provided, single submitter. Criteria: ICSL Variant Classification Criteria 13 December 2019. Collection method: clinical testing. Allele origin: germline.
Comment: This variant was observed in the ICSL laboratory as part of a predisposition screen in an ostensibly healthy population. It had not been previously curated by ICSL or reported in the Human Gene Mutation Database (HGMD: prior to June 1st, 2018), and was therefore a candidate for classification through an automated scoring system. Utilizing variant allele frequency, disease prevalence and penetrance estimates, and inheritance mode, an automated score was calculated to assess if this variant is too frequent to cause the disease. Based on the score and internal cut-off values, a variant classified as benign is not then subjected to further curation. The score for this variant resulted in a classification of benign for this disease.

Breakthrough Genomics
Classification: Benign. Review status: criteria provided, single submitter. Criteria: ACMG Guidelines, 2015. Collection method: not provided. Allele origin: germline. Inheritance: Autosomal dominant inheritance. Affected: yes.

NM_001005498.4(RHBDF2):c.*698C>G

Gene: RHBDF2 (rhomboid 5 homolog 2; minus strand). Cytogenetic location: 17q25.1.
Variant type: single nucleotide variant.
Coding change: c.*698C>G on transcript NM_001005498.4 (MANE Select); 698 bases downstream of the stop codon, C replaced by G.
Molecular consequence: 3 prime UTR variant. On other transcripts: non-coding transcript variant (3).
Genome position (GRCh38, 1-based): chr17:76,470,935, G>C on the plus strand (C>G on the coding strand, the complement: RHBDF2 is on the minus strand). VCF-style: chr17-76470935-G-C. GRCh37 (hg19) VCF-style: chr17-74467017-G-C.
Other names: c.*698C>G (NM_001376228.1, NM_001376229.1, NM_001376230.1 and 1 more transcripts).
Identifiers: ClinVar variation 325400 (VCV000325400.6), dbSNP rs8150, ClinGen allele CA10651052.